The following is an entry in ClinVar:

NM_007118.4(TRIO):c.6374C>T (p.Thr2125Ile)

Gene: TRIO (trio Rho guanine nucleotide exchange factor; plus strand). Cytogenetic location: 5p15.2.
Variant type: single nucleotide variant.
Coding change: c.6374C>T on transcript NM_007118.4 (MANE Select); coding-DNA position 6374, C replaced by T.
Protein change: p.Thr2125Ile; replaces threonine 2125 with isoleucine.
Molecular consequence: missense variant. On other transcripts: non-coding transcript variant (1).
Genome position (GRCh38, 1-based): chr5:14,481,271, C>T. VCF-style: chr5-14481271-C-T. GRCh37 (hg19) VCF-style: chr5-14481380-C-T.
Other names: short protein forms T2125I.
Identifiers: ClinVar variation 1699466 (VCV001699466.3), dbSNP rs1425641656, ClinGen allele CA359235184.

ClinVar aggregate classification (germline): Uncertain significance (1 of 4 stars; one submission).

Conditions:
Intellectual developmental disorder, autosomal dominant 44, with microcephaly. Also called: Micrognathia-recurrent infections-behavioral abnormalities-mild intellectual disability syndrome; TRIO-Related Intellectual Disability. Identifiers: Orphanet 476126, MedGen C4310740, MONDO:0014892, OMIM 617061.

Allele frequency attached by ClinVar (database versions not stated): gnomAD exomes 0.00002; TOPMed below 0.00001.
gnomAD v4.1: 15 of 1,614,068 alleles (0.00093%); highest among the groups gnomAD compares: Non-Finnish European, 0.0013%; no homozygotes.

Submission:

Victorian Clinical Genetics Services, Murdoch Childrens Research Institute
Classification: Uncertain significance for Intellectual developmental disorder, autosomal dominant 44, with microcephaly. Last evaluated: 2020-05-25. Review status: criteria provided, single submitter. Criteria: ACMG Guidelines, 2015. Collection method: clinical testing. Allele origin: germline. Inheritance: Autosomal dominant inheritance. Affected: yes.
Comment: Based on the classification scheme VCGS_Germline_v1.1.1, this variant is classified as 3B-VUS. Following criteria are met: 0103 - Both loss- and gain-of-function are known mechanisms of disease for this gene. Functional analysis showed missense variants resulted in both loss- and gain-of-function of the encoded protein (PMID: 28928363). (N) 0107 - This gene is known to be associated with autosomal dominant disease. (N) 0200 - Variant is predicted to result in a missense amino acid change from threonine to isoleucine (exon 44). (N) 0251 - Variant is heterozygous. (N) 0301 - Variant is absent from gnomAD. (P) 0503 - Missense variant consistently predicted to be tolerated. (B) 0600 - Variant is located in an annotated domain or motif (RhoGEF domain; PDB, NCBI). (N) 0705 - No comparable variants have previous evidence for pathogenicity. (N) 0807 - Variant has not previously been reported in a clinical context. (N) 0905 - No segregation evidence has been identified for this variant. (N) 1007 - No published functional evidence has been identified for this variant. (N) 1208 - Inheritance information for this variant is not currently available. (N) Legend: (P) - Pathogenic, (N) - Neutral, (B) - Benign

Literature cited by the submitters: PubMed 28928363.